The following is an entry in ClinVar:

NM_001003800.2(BICD2):c.2181G>T (p.Met727Ile)

Gene: BICD2 (BICD cargo adaptor 2; minus strand). Cytogenetic location: 9q22.31.
Variant type: single nucleotide variant.
Coding change: c.2181G>T on transcript NM_001003800.2 (MANE Select); coding-DNA position 2181, G replaced by T.
Protein change: p.Met727Ile; replaces methionine 727 with isoleucine.
Molecular consequence: missense variant.
Genome position (GRCh38, 1-based): chr9:92,717,874, C>A on the plus strand (G>T on the coding strand, the complement: BICD2 is on the minus strand). VCF-style: chr9-92717874-C-A. GRCh37 (hg19) VCF-style: chr9-95480156-C-A.
Other names: c.2181G>T, p.Met727Ile (NM_015250.4); short protein forms M727I.
Identifiers: ClinVar variation 2989220 (VCV002989220.3), dbSNP rs1220601140, ClinGen allele CA374032657.

ClinVar aggregate classification (germline): Uncertain significance (1 of 4 stars; one submission).

Conditions:
Autosomal dominant childhood-onset proximal spinal muscular atrophy with contractures (SMALED2A). Also called: Spinal muscular atrophy, lower extremity-predominant, 2A, autosomal dominant; SPINAL MUSCULAR ATROPHY, LOWER EXTREMITY-PREDOMINANT, 2A, CHILDHOOD ONSET, AUTOSOMAL DOMINANT. Identifiers: Orphanet 363447, Orphanet 363454, MedGen C4747715, MONDO:0014121, OMIM 615290.

Allele frequency attached by ClinVar (database versions not stated): TOPMed below 0.00001; gnomAD 0.00001; gnomAD exomes 0.00001.
gnomAD v4.1: 9 of 1,613,222 alleles (0.00056%); highest among the groups gnomAD compares: African/African-American, 0.0013%; no homozygotes.

Submission:

Labcorp Genetics (formerly Invitae), Labcorp
Classification: Uncertain significance for Autosomal dominant childhood-onset proximal spinal muscular atrophy with contractures. Last evaluated: 2023-10-16. Review status: criteria provided, single submitter. Criteria: Invitae Variant Classification Sherloc (09022015). Collection method: clinical testing. Allele origin: germline.
Comment: This sequence change replaces methionine, which is neutral and non-polar, with isoleucine, which is neutral and non-polar, at codon 727 of the BICD2 protein (p.Met727Ile). This variant is present in population databases (no rsID available, gnomAD 0.0009%). This variant has not been reported in the literature in individuals affected with BICD2-related conditions. Advanced modeling of protein sequence and biophysical properties (such as structural, functional, and spatial information, amino acid conservation, physicochemical variation, residue mobility, and thermodynamic stability) performed at Invitae indicates that this missense variant is not expected to disrupt BICD2 protein function. In summary, the available evidence is currently insufficient to determine the role of this variant in disease. Therefore, it has been classified as a Variant of Uncertain Significance.